The following is an entry in ClinVar:

ClinVar aggregate classification (germline): Pathogenic (1 of 4 stars; one submission).

Conditions:
Ehlers-Danlos syndrome, classic type, 1 (EDSCL1). Also called: EHLERS-DANLOS SYNDROME, GRAVIS TYPE; EHLERS-DANLOS SYNDROME, SEVERE CLASSIC TYPE; Ehlers-Danlos syndrome, type 1; EDS I; Ehlers-Danlos Syndrome, Classic Type, COL5A1-Related. Identifiers: MedGen C0268335, MONDO:0019567, OMIM 130000.

Submission:

Labcorp Genetics (formerly Invitae), Labcorp
Classification: Pathogenic for Ehlers-Danlos syndrome, classic type, 1. Last evaluated: 2022-09-10. Review status: criteria provided, single submitter. Criteria: Invitae Variant Classification Sherloc (09022015). Collection method: clinical testing. Allele origin: germline.
Comment: For these reasons, this variant has been classified as Pathogenic. Algorithms developed to predict the effect of sequence changes on RNA splicing suggest that this variant may disrupt the consensus splice site. Disruption of this splice site has been observed in individual(s) with clinical features of Ehlers-Danlos syndrome (Invitae). This variant is not present in population databases (gnomAD no frequency). This sequence change affects a donor splice site in intron 45 of the COL5A2 gene. It is expected to disrupt RNA splicing. Variants that disrupt the donor or acceptor splice site typically lead to a loss of protein function (PMID: 16199547), and loss-of-function variants in COL5A2 are known to be pathogenic (PMID: 23587214).

Literature cited by the submitters: PubMed 16199547; PubMed 23587214.

NM_000393.5(COL5A2):c.3201+1G>T

Gene: COL5A2 (collagen type V alpha 2 chain; minus strand). Cytogenetic location: 2q32.2.
Variant type: single nucleotide variant.
Coding change: c.3201+1G>T on transcript NM_000393.5 (MANE Select); the canonical splice donor site of the intron after coding-DNA position 3201, G replaced by T.
Molecular consequence: splice donor variant.
Genome position (GRCh38, 1-based): chr2:189,048,208, C>A on the plus strand (G>T on the coding strand, the complement: COL5A2 is on the minus strand). VCF-style: chr2-189048208-C-A. GRCh37 (hg19) VCF-style: chr2-189912934-C-A.
Identifiers: ClinVar variation 2029847 (VCV002029847.4), dbSNP rs2469246822, ClinGen allele CA349864382.